The following is an entry in ClinVar:

NM_014874.4(MFN2):c.600-247G>A

Gene: MFN2 (mitofusin 2; plus strand). Cytogenetic location: 1p36.22.
Variant type: single nucleotide variant.
Coding change: c.600-247G>A on transcript NM_014874.4 (MANE Select); 247 bases into the intron before coding-DNA position 600, G replaced by A.
Molecular consequence: intron variant.
Genome position (GRCh38, 1-based): chr1:11,998,523, G>A. VCF-style: chr1-11998523-G-A. GRCh37 (hg19) VCF-style: chr1-12058580-G-A.
Other names: c.600-247G>A (NM_001127660.2).
Identifiers: ClinVar variation 677809 (VCV000677809.2), dbSNP rs149142526, ClinGen allele CA18009064.
Genomic context (GRCh38, chr1:11,998,523, plus strand): 5'-GCTTGAACCTGGGAGGCGGAGGTTGCAGTGAGCCGAGATCGTGCCATTGCACTCCAGCCC[G>A]GGCGACAGAGCAAGACTCTATATCCAAAAACAAAACAAAACAAAACAAAACACTCATTTC-3'

ClinVar aggregate classification (germline): Benign. Review status: criteria provided, multiple submitters, no conflicts (2 of 4 stars). 2 submissions from 2 submitters: Benign (2). Last evaluated 2018-06-16.

Allele frequency attached by ClinVar (database versions not stated): gnomAD 0.02481 and 0.02659; 1000 Genomes Project 0.02656; 1000 Genomes Project 30x 0.02764; TOPMed 0.02766.
gnomAD v4.1: 3,724 of 151,178 alleles (2.5%); highest among the groups gnomAD compares: African/African-American, 8.5%; 155 homozygotes.

Submissions (2):

GeneDx
Classification: Benign. Last evaluated: 2018-06-16. Review status: criteria provided, single submitter. Criteria: GeneDx Variant Classification (06012015). Collection method: clinical testing. Allele origin: germline. Affected: yes.
Comment: This variant is considered likely benign or benign based on one or more of the following criteria: it is a conservative change, it occurs at a poorly conserved position in the protein, it is predicted to be benign by multiple in silico algorithms, and/or has population frequency not consistent with disease.

Breakthrough Genomics
Classification: Benign. Review status: criteria provided, single submitter. Criteria: ACMG Guidelines, 2015. Collection method: not provided. Allele origin: germline. Inheritance: Autosomal recessive inheritance. Affected: yes.